The following is an entry in ClinVar:

ClinVar aggregate classification (germline): Pathogenic (1 of 4 stars; one submission).

Submission:

Labcorp Genetics (formerly Invitae), Labcorp
Classification: Pathogenic. Last evaluated: 2023-10-13. Review status: criteria provided, single submitter. Criteria: Invitae Variant Classification Sherloc (09022015). Collection method: clinical testing. Allele origin: germline.
Comment: This sequence change creates a premature translational stop signal (p.Lys549*) in the TCF12 gene. It is expected to result in an absent or disrupted protein product. Loss-of-function variants in TCF12 are known to be pathogenic (PMID: 23354436, 32620954). This variant is not present in population databases (gnomAD no frequency). This variant has not been reported in the literature in individuals affected with TCF12-related conditions. For these reasons, this variant has been classified as Pathogenic.

Literature cited by the submitters: PubMed 23354436; PubMed 32620954.

NM_207037.2(TCF12):c.1645A>T (p.Lys549Ter)

Gene: TCF12 (transcription factor 12; plus strand). Cytogenetic location: 15q21.3.
Variant type: single nucleotide variant.
Coding change: c.1645A>T on transcript NM_207037.2 (MANE Select); coding-DNA position 1645, A replaced by T.
Protein change: p.Lys549Ter; replaces lysine 549 with a stop codon.
Molecular consequence: nonsense.
Genome position (GRCh38, 1-based): chr15:57,263,174, A>T. VCF-style: chr15-57263174-A-T. GRCh37 (hg19) VCF-style: chr15-57555372-A-T.
Other names: c.865A>T, p.Lys289Ter (NM_001306220.3); c.1645A>T, p.Lys549Ter (NM_001322151.2, NM_001322159.3, NM_001322162.2 and 2 more transcripts); c.1642A>T, p.Lys548Ter (NM_001322161.2); c.1609A>T, p.Lys537Ter (NM_001322164.2); c.1135A>T, p.Lys379Ter (NM_001306219.3); c.988A>T, p.Lys330Ter (NM_001322154.2); c.1471A>T, p.Lys491Ter (NM_001322156.2); c.1573A>T, p.Lys525Ter (NM_001322157.3, NM_001322165.2, NM_003205.4 and 1 more transcripts); and 2 more; short protein forms K467*, K548*, K379*, K549*, K355*, K491*, K289*, K330*.
Identifiers: ClinVar variation 2743124 (VCV002743124.3), dbSNP rs1288510945, ClinGen allele CA392590034.